The following is an entry in ClinVar:

ClinVar aggregate classification (germline): Uncertain significance (1 of 4 stars; one submission).

Conditions:
Pulmonary fibrosis and/or bone marrow failure, Telomere-related, 3. Also called: PULMONARY FIBROSIS AND/OR BONE MARROW FAILURE SYNDROME, TELOMERE-RELATED, 3. Identifiers: Orphanet 2032, MedGen C4225346, MONDO:0014613, OMIM 616373.
Dyskeratosis congenita, autosomal recessive 5 (DKCB5). Identifiers: MedGen C3554656, MONDO:0014076, OMIM 615190.

Allele frequency attached by ClinVar (database versions not stated): gnomAD exomes below 0.00001 and 0.00001; ExAC 0.00002.
gnomAD v4.1: 2 of 1,612,666 alleles (0.00012%); highest among the groups gnomAD compares: Non-Finnish European, 0.00017%; no homozygotes.

Submission:

Labcorp Genetics (formerly Invitae), Labcorp
Classification: Uncertain significance for Dyskeratosis congenita, autosomal recessive 5; Pulmonary fibrosis and/or bone marrow failure, Telomere-related, 3. Last evaluated: 2022-12-02. Review status: criteria provided, single submitter. Criteria: Invitae Variant Classification Sherloc (09022015). Collection method: clinical testing. Allele origin: germline.
Comment: This variant has not been reported in the literature in individuals affected with RTEL1-related conditions. This variant is present in population databases (rs751106916, gnomAD 0.002%). This sequence change replaces alanine, which is neutral and non-polar, with proline, which is neutral and non-polar, at codon 910 of the RTEL1 protein (p.Ala910Pro). ClinVar contains an entry for this variant (Variation ID: 1512700). In summary, the available evidence is currently insufficient to determine the role of this variant in disease. Therefore, it has been classified as a Variant of Uncertain Significance. Algorithms developed to predict the effect of missense changes on protein structure and function are either unavailable or do not agree on the potential impact of this missense change (SIFT: "Tolerated"; PolyPhen-2: "Probably Damaging"; Align-GVGD: "Class C0").

NM_001283009.2(RTEL1):c.2728G>C (p.Ala910Pro)

Genes: RTEL1 (regulator of telomere elongation helicase 1; plus strand), RTEL1-TNFRSF6B (RTEL1-TNFRSF6B readthrough (NMD candidate); plus strand). Cytogenetic location: 20q13.33.
Variant type: single nucleotide variant.
Coding change: c.2728G>C on transcript NM_001283009.2 (MANE Select); coding-DNA position 2728, G replaced by C.
Protein change: p.Ala910Pro; replaces alanine 910 with proline.
Molecular consequence: missense variant. On other transcripts: non-coding transcript variant (1).
Genome position (GRCh38, 1-based): chr20:63,692,880, G>C. VCF-style: chr20-63692880-G-C. GRCh37 (hg19) VCF-style: chr20-62324233-G-C.
Other names: c.2728G>C, p.Ala910Pro (NM_016434.4); c.2800G>C, p.Ala934Pro (NM_032957.5); c.2059G>C, p.Ala687Pro (NM_001283010.1); short protein forms A910P, A687P, A934P.
Identifiers: ClinVar variation 1512700 (VCV001512700.6), dbSNP rs751106916, ClinGen allele CA9965514.